The following is an entry in ClinVar:

ClinVar aggregate classification (germline): Uncertain significance. Review status: criteria provided, multiple submitters, no conflicts (2 of 4 stars). 5 submissions from 5 submitters: Uncertain significance (4). 1 of the submissions does not count toward it. Last evaluated 2026-04-24.

Conditions:
Neuronal ceroid lipofuscinosis 7 (CLN7). Also called: MFSD8-Related Neuronal Ceroid-Lipofuscinosis. Identifiers: Orphanet 168491, Orphanet 228366, MedGen C1838571, MONDO:0012588, OMIM 610951.
Inborn genetic diseases. Identifiers: MedGen C0950123, MeSH D030342.
Late-infantile neuronal ceroid lipofuscinosis. Also called: Jansky-Bielschowsky disease. Identifiers: MedGen C0022340, MONDO:0015674.

Allele frequency attached by ClinVar (database versions not stated): gnomAD 0.00004 and 0.00003; 1000 Genomes Project 0.00040; gnomAD exomes 0.00004 and 0.00003; ExAC 0.00007; ESP Exome Variant Server 0.00023; TOPMed 0.00009; 1000 Genomes Project 30x 0.00062.
gnomAD v4.1: 51 of 1,614,082 alleles (0.0032%); highest among the groups gnomAD compares: Admixed American, 0.013%; no homozygotes.

Submissions (5):

GeneDx
Classification: Uncertain significance. Last evaluated: 2026-04-24. Review status: criteria provided, single submitter. Criteria: GeneDx Variant Classification Process June 2021. Collection method: clinical testing. Allele origin: germline.
Comment: Not observed at significant frequency in large population cohorts (gnomAD); In silico analysis suggests that this missense variant does not alter protein structure/function; Has not been previously reported as pathogenic or benign in association with neuronal ceroid lipofuscinosis to our knowledge; This variant is associated with the following publications: (PMID: 30382371)

Labcorp Genetics (formerly Invitae), Labcorp
Classification: Uncertain significance for Neuronal ceroid lipofuscinosis 7. Last evaluated: 2022-09-01. Review status: criteria provided, single submitter. Criteria: Invitae Variant Classification Sherloc (09022015). Collection method: clinical testing. Allele origin: germline.
Comment: This sequence change replaces isoleucine, which is neutral and non-polar, with threonine, which is neutral and polar, at codon 492 of the MFSD8 protein (p.Ile492Thr). This variant is present in population databases (rs183448311, gnomAD 0.02%). This missense change has been observed in individual(s) with MFSD8-related conditions (PMID: 30382371). ClinVar contains an entry for this variant (Variation ID: 570915). Algorithms developed to predict the effect of missense changes on protein structure and function are either unavailable or do not agree on the potential impact of this missense change (SIFT: "Deleterious"; PolyPhen-2: "Benign"; Align-GVGD: "Class C25"). Experimental studies have shown that this missense change does not substantially affect MFSD8 function (PMID: 30382371). Algorithms developed to predict the effect of sequence changes on RNA splicing suggest that this variant may create or strengthen a splice site. In summary, the available evidence is currently insufficient to determine the role of this variant in disease. Therefore, it has been classified as a Variant of Uncertain Significance.

Ambry Genetics
Classification: Uncertain significance for Inborn genetic diseases. Last evaluated: 2021-11-16. Review status: criteria provided, single submitter. Criteria: Ambry Variant Classification Scheme 2023. Collection method: clinical testing. Allele origin: germline.

Eurofins Ntd Llc (ga)
Classification: Uncertain significance. Last evaluated: 2018-08-16. Review status: criteria provided, single submitter. Criteria: EGL ClinVar v180209 classification definitions. Collection method: clinical testing. Allele origin: germline. Observed: 1 variant allele, 1 heterozygote.

Natera, Inc.
Classification: Uncertain significance for Late-infantile neuronal ceroid lipofuscinosis. Last evaluated: 2020-09-16. Review status: no assertion criteria provided. Collection method: clinical testing. Allele origin: germline. Not counted in ClinVar's aggregate classification.

Literature cited by the submitters: PubMed 30382371 (cited by Labcorp Genetics (formerly Invitae), Labcorp).

NM_001371596.2(MFSD8):c.1475T>C (p.Ile492Thr)

Gene: MFSD8 (major facilitator superfamily domain containing 8; minus strand). Cytogenetic location: 4q28.2.
Variant type: single nucleotide variant.
Coding change: c.1475T>C on transcript NM_001371596.2 (MANE Select); coding-DNA position 1475, T replaced by C.
Protein change: p.Ile492Thr; replaces isoleucine 492 with threonine.
Molecular consequence: missense variant.
Genome position (GRCh38, 1-based): chr4:127,920,712, A>G on the plus strand (T>C on the coding strand, the complement: MFSD8 is on the minus strand). VCF-style: chr4-127920712-A-G. GRCh37 (hg19) VCF-style: chr4-128841867-A-G.
Other names: c.1274T>C, p.Ile425Thr (NM_001363520.3); c.1160T>C, p.Ile387Thr (NM_001363521.3); c.1340T>C, p.Ile447Thr (NM_001371590.2); c.1484T>C, p.Ile495Thr (NM_001371591.2); c.1481T>C, p.Ile494Thr (NM_001371592.2); c.1361T>C, p.Ile454Thr (NM_001371593.2); c.1328T>C, p.Ile443Thr (NM_001371594.2); c.1193T>C, p.Ile398Thr (NM_001371595.1); and 3 more; short protein forms I492T, I387T, I425T, I398T, I443T, I447T, I454T, I494T.
Identifiers: ClinVar variation 570915 (VCV000570915.13), dbSNP rs183448311, ClinGen allele CA3077220.